The following is an entry in ClinVar:

ClinVar aggregate classification (germline): Uncertain significance (1 of 4 stars; one submission).

Conditions:
Cardiovascular phenotype. Identifiers: MedGen CN230736.

Submission:

Ambry Genetics
Classification: Uncertain significance for Cardiovascular phenotype. Last evaluated: 2025-11-15. Review status: criteria provided, single submitter. Criteria: Ambry Variant Classification Scheme 2023. Collection method: clinical testing. Allele origin: germline.
Comment: The p.A282S variant (also known as c.844G>T), located in coding exon 10 of the EYA4 gene, results from a G to T substitution at nucleotide position 844. The alanine at codon 282 is replaced by serine, an amino acid with similar properties. This amino acid position is conserved. In addition, this alteration is predicted to be tolerated by in silico analysis. Based on the available evidence, the clinical significance of this variant remains unclear.

NM_004100.5(EYA4):c.844G>T (p.Ala282Ser)

Gene: EYA4 (EYA transcriptional coactivator and phosphatase 4; plus strand). Cytogenetic location: 6q23.2.
Variant type: single nucleotide variant.
Coding change: c.844G>T on transcript NM_004100.5 (MANE Select); coding-DNA position 844, G replaced by T.
Protein change: p.Ala282Ser; replaces alanine 282 with serine.
Molecular consequence: missense variant.
Genome position (GRCh38, 1-based): chr6:133,468,605, G>T. VCF-style: chr6-133468605-G-T. GRCh37 (hg19) VCF-style: chr6-133789743-G-T.
Other names: c.682G>T, p.Ala228Ser (NM_001301012.2, NM_001370459.1); c.844G>T, p.Ala282Ser (NM_001301013.2, NM_172105.4); c.775G>T, p.Ala259Ser (NM_001370458.1, NM_172103.4); short protein forms A228S, A259S, A282S.
Identifiers: ClinVar variation 4614161 (VCV004614161.1).